The following is an entry in ClinVar:

ClinVar aggregate classification (germline): Uncertain significance. Review status: criteria provided, multiple submitters, no conflicts (2 of 4 stars). 3 submissions from 3 submitters: Uncertain significance (2). 1 of the submissions does not count toward it. Last evaluated 2024-09-18.

Conditions:
Autosomal recessive retinitis pigmentosa. Identifiers: MedGen C0339526.

Allele frequency attached by ClinVar (database versions not stated): gnomAD below 0.00001 and 0.00002; ExAC 0.00005.
gnomAD v4.1: 18 of 1,551,250 alleles (0.0012%); highest among the groups gnomAD compares: South Asian, 0.017%; no homozygotes.

Submissions (3):

Blueprint Genetics
Classification: Uncertain significance. Last evaluated: 2024-09-18. Review status: criteria provided, single submitter. Criteria: ACMG Guidelines, 2015. Collection method: clinical testing. Allele origin: germline.

Labcorp Genetics (formerly Invitae), Labcorp
Classification: Uncertain significance. Last evaluated: 2024-05-29. Review status: criteria provided, single submitter. Criteria: Invitae Variant Classification Sherloc (09022015). Collection method: clinical testing. Allele origin: germline.
Comment: This sequence change replaces leucine, which is neutral and non-polar, with valine, which is neutral and non-polar, at codon 1575 of the EYS protein (p.Leu1575Val). This variant is present in population databases (rs765741480, gnomAD 0.01%). This missense change has been observed in individual(s) with inherited retinal dystrophy (PMID: 32728228). ClinVar contains an entry for this variant (Variation ID: 990035). Advanced modeling of protein sequence and biophysical properties (such as structural, functional, and spatial information, amino acid conservation, physicochemical variation, residue mobility, and thermodynamic stability) has been performed at Invitae for this missense variant, however the output from this modeling did not meet the statistical confidence thresholds required to predict the impact of this variant on EYS protein function. In summary, the available evidence is currently insufficient to determine the role of this variant in disease. Therefore, it has been classified as a Variant of Uncertain Significance.

Natera, Inc.
Classification: Uncertain significance for Autosomal recessive retinitis pigmentosa. Last evaluated: 2020-10-19. Review status: no assertion criteria provided. Collection method: clinical testing. Allele origin: germline. Not counted in ClinVar's aggregate classification.

Literature cited by the submitters: PubMed 32728228 (cited by Labcorp Genetics (formerly Invitae), Labcorp).

NM_001142800.2(EYS):c.4723T>G (p.Leu1575Val)

Gene: EYS (EGF-like photoreceptor maintenance factor; minus strand). Cytogenetic location: 6q12.
Variant type: single nucleotide variant.
Coding change: c.4723T>G on transcript NM_001142800.2 (MANE Select); coding-DNA position 4723, T replaced by G.
Protein change: p.Leu1575Val; replaces leucine 1575 with valine.
Molecular consequence: missense variant.
Genome position (GRCh38, 1-based): chr6:64,591,144, A>C on the plus strand (T>G on the coding strand, the complement: EYS is on the minus strand). VCF-style: chr6-64591144-A-C. GRCh37 (hg19) VCF-style: chr6-65301037-A-C.
Other names: c.4723T>G, p.Leu1575Val (NM_001292009.2); short protein forms L1575V.
Identifiers: ClinVar variation 990035 (VCV000990035.6), dbSNP rs765741480, ClinGen allele CA3877060.
Genomic context (GRCh38, chr6:64,591,144, plus strand): 5'-TGGCTAATATCGCTGAGTTCATCCAGAATGTCTCATAAAAGTGGGACTGTTTGCTATGCA[A>C]AACTTGATCTGAGAATTCACGAGAGGATTTTATTTCAGTCATAGAACATGTTGCACATGT-3'
Protein context (NP_001136272.1, residues 1565-1585): KSSREFSDQV[Leu1575Val]HSKQSHFYET